The following is an entry in ClinVar:

ClinVar aggregate classification (germline): Uncertain significance. Review status: criteria provided, multiple submitters, no conflicts (2 of 4 stars). 7 submissions from 7 submitters: Uncertain significance (6). 1 of the submissions does not count toward it. Last evaluated 2026-01-19.

Conditions:
CDK4-related disorder. Also called: CDK4-related condition.
Hereditary cancer-predisposing syndrome. Also called: Hereditary Cancer Syndrome; Hereditary neoplastic syndrome; Neoplastic Syndromes, Hereditary; Tumor predisposition. Identifiers: Orphanet 140162, MedGen C0027672, MeSH D009386, MONDO:0015356.
Familial melanoma. Also called: Hereditary melanoma; Hereditary cutaneous melanoma. Identifiers: Orphanet 618, MedGen C1512419, MONDO:0018961.
Melanoma, cutaneous malignant, susceptibility to, 3. Also called: Cutaneous malignant melanoma 3. Identifiers: Orphanet 618, MedGen C1836892, MONDO:0012183, OMIM 609048.

Allele frequency attached by ClinVar (database versions not stated): TOPMed 0.00001; ExAC 0.00003; gnomAD 0.00003 and 0.00004; gnomAD exomes 0.00003 and 0.00004.
gnomAD v4.1: 53 of 1,614,078 alleles (0.0033%); highest among the groups gnomAD compares: Non-Finnish European, 0.0043%; no homozygotes.

Submissions (7):

Labcorp Genetics (formerly Invitae), Labcorp
Classification: Uncertain significance for Familial melanoma. Last evaluated: 2026-01-19. Review status: criteria provided, single submitter. Criteria: Invitae Variant Classification Sherloc (09022015). Collection method: clinical testing. Allele origin: germline.
Comment: This sequence change replaces valine, which is neutral and non-polar, with leucine, which is neutral and non-polar, at codon 154 of the CDK4 protein (p.Val154Leu). This variant is present in population databases (rs563692823, gnomAD 0.009%). This missense change has been observed in individual(s) with melanoma, suspected Lynch syndrome, and in an individual undergoing genetic testing for hereditary cancer (PMID: 25980754, 26800492, 31159747). ClinVar contains an entry for this variant (Variation ID: 216270). An algorithm developed to predict the effect of missense changes on protein structure and function (PolyPhen-2) suggests that this variant is likely to be tolerated. In summary, the available evidence is currently insufficient to determine the role of this variant in disease. Therefore, it has been classified as a Variant of Uncertain Significance.

Center for Genomic Medicine, Rigshospitalet, Copenhagen University Hospital
Classification: Uncertain significance. Last evaluated: 2025-03-04. Review status: criteria provided, single submitter. Criteria: ACMG Guidelines, 2015. Collection method: clinical testing. Allele origin: germline.

Ambry Genetics
Classification: Uncertain significance for Hereditary cancer-predisposing syndrome. Last evaluated: 2024-09-26. Review status: criteria provided, single submitter. Criteria: Ambry Variant Classification Scheme 2023. Collection method: clinical testing. Allele origin: germline.
Comment: The p.V154L variant (also known as c.460G>C), located in coding exon 3 of the CDK4 gene, results from a G to C substitution at nucleotide position 460. The valine at codon 154 is replaced by leucine, an amino acid with highly similar properties. In one study of melanoma patients from Austria, this variant was seen in 1/232 patients, who had sequencing of the CDK4 gene; This amino acid position is well conserved in available vertebrate species. In addition, this alteration is predicted to be tolerated by in silico analysis. Based on the available evidence, the clinical significance of this variant remains unclear.

GeneDx
Classification: Uncertain significance. Last evaluated: 2024-02-16. Review status: criteria provided, single submitter. Criteria: GeneDx Variant Classification Process June 2021. Collection method: clinical testing. Allele origin: germline. Affected: yes.
Comment: In silico analysis supports that this missense variant does not alter protein structure/function; Observed in individuals with a personal or family history of melanoma, breast and/or ovarian cancer, Lynch syndrome-associated cancer, and/or polyps (PMID: 25980754, 26800492, 31159747); This variant is associated with the following publications: (PMID: 25980754, 26800492, 27317282, 31159747)

Fulgent Genetics
Classification: Uncertain significance for Melanoma, cutaneous malignant, susceptibility to, 3. Last evaluated: 2024-01-26. Review status: criteria provided, single submitter. Criteria: ACMG Guidelines, 2015. Collection method: clinical testing. Allele origin: germline.

GeneKor MSA
Classification: Uncertain significance for Hereditary cancer-predisposing syndrome. Last evaluated: 2018-08-01. Review status: criteria provided, single submitter. Criteria: ACMG Guidelines, 2015. Collection method: clinical testing. Allele origin: germline. Affected: no.

PreventionGenetics, part of Exact Sciences
Classification: Uncertain significance for CDK4-related condition. Last evaluated: 2023-10-27. Review status: no assertion criteria provided. Collection method: clinical testing. Allele origin: germline. Not counted in ClinVar's aggregate classification.
Comment: The CDK4 c.460G>C variant is predicted to result in the amino acid substitution p.Val154Leu. This variant has been reported in an individual with a personal and family history of melanoma (Müller et al. 2016. PubMed ID: 26800492) and as a germline variant of uncertain significance in an individual undergoing genetic testing for Lynch syndrome (Supplemental Table 2, Yurgelun et al. 2015. PubMed ID: 25980754). This variant was also reported with uncertain significance in an individual undergoing genetic testing for hereditary cancer, however further details were not provided (Table S5, Tsaousis et al. 2019. PubMed ID: 31159747). This variant is reported in 0.0085% of alleles in individuals of European (Non-Finnish) descent in gnomAD and is interpreted as uncertain in ClinVar. At this time, the clinical significance of this variant is uncertain due to the absence of conclusive functional and genetic evidence.

Literature cited by the submitters: PubMed 25980754 (cited by Labcorp Genetics (formerly Invitae), Labcorp); PubMed 26800492 (cited by Labcorp Genetics (formerly Invitae), Labcorp and Ambry Genetics); PubMed 31159747 (cited by Labcorp Genetics (formerly Invitae), Labcorp).

NM_000075.4(CDK4):c.460G>C (p.Val154Leu)

Gene: CDK4 (cyclin dependent kinase 4; minus strand). Cytogenetic location: 12q14.1.
Variant type: single nucleotide variant.
Coding change: c.460G>C on transcript NM_000075.4 (MANE Select); coding-DNA position 460, G replaced by C.
Protein change: p.Val154Leu; replaces valine 154 with leucine.
Molecular consequence: missense variant.
Genome position (GRCh38, 1-based): chr12:57,750,985, C>G on the plus strand (G>C on the coding strand, the complement: CDK4 is on the minus strand). VCF-style: chr12-57750985-C-G. GRCh37 (hg19) VCF-style: chr12-58144768-C-G.
Other names: c.460G>C (LRG_490t1); short protein forms V154L.
Identifiers: ClinVar variation 216270 (VCV000216270.25), dbSNP rs563692823, ClinGen allele CA337243.